The following is an entry in ClinVar:

NM_000081.4(LYST):c.4754A>G (p.Asn1585Ser)

Gene: LYST (lysosomal trafficking regulator; minus strand). Cytogenetic location: 1q42.3.
Variant type: single nucleotide variant.
Coding change: c.4754A>G on transcript NM_000081.4 (MANE Select); coding-DNA position 4754, A replaced by G.
Protein change: p.Asn1585Ser; replaces asparagine 1585 with serine.
Molecular consequence: missense variant.
Genome position (GRCh38, 1-based): chr1:235,787,308, T>C on the plus strand (A>G on the coding strand, the complement: LYST is on the minus strand). VCF-style: chr1-235787308-T-C. GRCh37 (hg19) VCF-style: chr1-235950608-T-C.
Other names: c.4754A>G, p.Asn1585Ser (NM_001301365.1); short protein forms N1585S.
Identifiers: ClinVar variation 1902243 (VCV001902243.5), dbSNP rs1294381222, ClinGen allele CA344957582.
Genomic context (GRCh38, chr1:235,787,308, plus strand): 5'-CCTTGGGGCTGCTGTAAGTAGGTGAGTACTAAATGTTGCCATTTGCTTGGGAGGAAAATA[T>C]TCTCCTGTGATTCAACCTGTGCTAGTAAAACAGCTTTCATGTCATCATTTGAATCCATGC-3'
Protein context (NP_000072.2, residues 1575-1595): VLLAQVESQE[Asn1585Ser]IFLPSKWQHL

ClinVar aggregate classification (germline): Uncertain significance (1 of 4 stars; one submission).

Conditions:
Chédiak-Higashi syndrome (CHS). Also called: Chediak-Higashi Syndrome. Identifiers: Orphanet 167, MedGen C0007965, MONDO:0008963, OMIM 214500.

Allele frequency attached by ClinVar (database versions not stated): gnomAD exomes below 0.00001; TOPMed 0.00001.
gnomAD v4.1: 6 of 1,613,590 alleles (0.00037%); highest among the groups gnomAD compares: Admixed American, 0.0017%; no homozygotes.

Submission:

Labcorp Genetics (formerly Invitae), Labcorp
Classification: Uncertain significance for Chédiak-Higashi syndrome. Last evaluated: 2022-08-08. Review status: criteria provided, single submitter. Criteria: Invitae Variant Classification Sherloc (09022015). Collection method: clinical testing. Allele origin: germline.
Comment: In summary, the available evidence is currently insufficient to determine the role of this variant in disease. Therefore, it has been classified as a Variant of Uncertain Significance. Algorithms developed to predict the effect of missense changes on protein structure and function (SIFT, PolyPhen-2, Align-GVGD) all suggest that this variant is likely to be tolerated. This variant has not been reported in the literature in individuals affected with LYST-related conditions. This variant is present in population databases (no rsID available, gnomAD 0.003%). This sequence change replaces asparagine, which is neutral and polar, with serine, which is neutral and polar, at codon 1585 of the LYST protein (p.Asn1585Ser).